The following is an entry in ClinVar:

ClinVar aggregate classification (germline): Uncertain significance (1 of 4 stars; one submission).

Conditions:
Inclusion body myopathy with early-onset Paget disease with or without frontotemporal dementia 2 (IBMPFD2). Also called: MULTISYSTEM PROTEINOPATHY 2. Identifiers: MedGen C3809468, MONDO:0014178, OMIM 615422.

Submission:

Labcorp Genetics (formerly Invitae), Labcorp
Classification: Uncertain significance for Inclusion body myopathy with early-onset Paget disease with or without frontotemporal dementia 2. Last evaluated: 2022-05-03. Review status: criteria provided, single submitter. Criteria: Invitae Variant Classification Sherloc (09022015). Collection method: clinical testing. Allele origin: germline.
Comment: In summary, the available evidence is currently insufficient to determine the role of this variant in disease. Therefore, it has been classified as a Variant of Uncertain Significance. Variants that disrupt the consensus splice site are a relatively common cause of aberrant splicing (PMID: 17576681, 9536098). Algorithms developed to predict the effect of sequence changes on RNA splicing suggest that this variant may disrupt the consensus splice site. This variant has not been reported in the literature in individuals affected with HNRNPA2B1-related conditions. This variant is not present in population databases (gnomAD no frequency). This sequence change falls in intron 7 of the HNRNPA2B1 gene. It does not directly change the encoded amino acid sequence of the HNRNPA2B1 protein. It affects a nucleotide within the consensus splice site.

Literature cited by the submitters: PubMed 17576681; PubMed 9536098.

NM_002137.4(HNRNPA2B1):c.659-3C>A

Gene: HNRNPA2B1 (heterogeneous nuclear ribonucleoprotein A2/B1; minus strand). Cytogenetic location: 7p15.2.
Variant type: single nucleotide variant.
Coding change: c.659-3C>A on transcript NM_002137.4 (MANE Select); 3 bases into the intron before coding-DNA position 659, C replaced by A.
Molecular consequence: intron variant.
Genome position (GRCh38, 1-based): chr7:26,195,912, G>T on the plus strand (C>A on the coding strand, the complement: HNRNPA2B1 is on the minus strand). VCF-style: chr7-26195912-G-T. GRCh37 (hg19) VCF-style: chr7-26235532-G-T.
Other names: c.659-3C>A (NM_001438578.1, NM_001438576.1, NM_001438575.1 and 4 more transcripts); c.695-3C>A (NM_001438574.1, NM_001438573.1, NM_001438568.1 and 3 more transcripts).
Identifiers: ClinVar variation 2114233 (VCV002114233.4), dbSNP rs2535771996, ClinGen allele CA2580076972.